The following is an entry in ClinVar:

NM_001009944.3(PKD1):c.8921G>A (p.Arg2974Gln)

Gene: PKD1 (polycystin 1, transient receptor potential channel interacting; minus strand). Cytogenetic location: 16p13.3.
Variant type: single nucleotide variant.
Coding change: c.8921G>A on transcript NM_001009944.3 (MANE Select); coding-DNA position 8921, G replaced by A.
Protein change: p.Arg2974Gln; replaces arginine 2974 with glutamine.
Molecular consequence: missense variant.
Genome position (GRCh38, 1-based): chr16:2,102,841, C>T on the plus strand (G>A on the coding strand, the complement: PKD1 is on the minus strand). VCF-style: chr16-2102841-C-T. GRCh37 (hg19) VCF-style: chr16-2152842-C-T.
Other names: c.8921G>A (NM_000296.3); c.8921G>A, p.Arg2974Gln (NM_000296.4); short protein forms R2974Q.
Identifiers: ClinVar variation 2446200 (VCV002446200.4), dbSNP rs369012743, ClinGen allele CA7830302.

ClinVar aggregate classification (germline): Conflicting classifications of pathogenicity. Review status: criteria provided, conflicting classifications (1 of 4 stars). 4 submissions from 4 submitters: Uncertain significance (3); Likely benign (1). Last evaluated 2025-04-09.

Conditions:
Polycystic kidney disease, adult type (PKD1). Also called: Polycystic Kidney, Autosomal Dominant; Polycystic Kidney Disease 1, Autosomal Dominant; Polycystic kidney disease 1; Polycystic kidney disease 1, severe; POLYCYSTIC KIDNEY DISEASE, ADULT, TYPE I; POLYCYSTIC KIDNEY DISEASE 1 WITH OR WITHOUT POLYCYSTIC LIVER DISEASE. Identifiers: MedGen C3149841, MONDO:0008263, OMIM 173900.
Inborn genetic diseases. Identifiers: MedGen C0950123, MeSH D030342.

Allele frequency attached by ClinVar (database versions not stated): ExAC 0.00001; gnomAD exomes 0.00005; gnomAD 0.00006; TOPMed 0.00007; ESP Exome Variant Server 0.00008.
gnomAD v4.1: 86 of 1,587,868 alleles (0.0054%); highest among the groups gnomAD compares: Non-Finnish European, 0.0069%; no homozygotes.

Submissions (4):

Ambry Genetics
Classification: Uncertain significance for Inborn genetic diseases. Last evaluated: 2025-04-09. Review status: criteria provided, single submitter. Criteria: Ambry Variant Classification Scheme 2023. Collection method: clinical testing. Allele origin: germline.

Fulgent Genetics
Classification: Likely benign for Polycystic kidney disease, adult type. Last evaluated: 2024-05-11. Review status: criteria provided, single submitter. Criteria: ACMG Guidelines, 2015. Collection method: clinical testing. Allele origin: germline.

GeneDx
Classification: Uncertain significance. Last evaluated: 2022-09-26. Review status: criteria provided, single submitter. Criteria: GeneDx Variant Classification Process June 2021. Collection method: clinical testing. Allele origin: germline. Affected: yes.
Comment: In silico analysis supports that this missense variant does not alter protein structure/function; Has not been previously published as pathogenic or benign to our knowledge

Blueprint Genetics
Classification: Uncertain significance. Last evaluated: 2022-08-15. Review status: criteria provided, single submitter. Criteria: ACMG Guidelines, 2015. Collection method: clinical testing. Allele origin: germline.